The following is an entry in ClinVar:

ClinVar aggregate classification (germline): Uncertain significance (1 of 4 stars; one submission).

gnomAD v4.1: 1 of 1,611,270 alleles (0.000062%); highest among the groups gnomAD compares: South Asian, 0.0011%; no homozygotes.

Submission:

GeneDx
Classification: Uncertain significance. Last evaluated: 2026-02-20. Review status: criteria provided, single submitter. Criteria: GeneDx Variant Classification Process June 2021. Collection method: clinical testing. Allele origin: germline.
Comment: Not observed at significant frequency in large population cohorts (gnomAD); In silico analysis supports that this missense variant has a deleterious effect on protein structure/function; Has not been previously published as pathogenic or benign to our knowledge

NM_003482.4(KMT2D):c.15692C>A (p.Ser5231Tyr)

Gene: KMT2D (lysine methyltransferase 2D; minus strand). Cytogenetic location: 12q13.12.
Variant type: single nucleotide variant.
Coding change: c.15692C>A on transcript NM_003482.4 (MANE Select); coding-DNA position 15692, C replaced by A.
Protein change: p.Ser5231Tyr; replaces serine 5231 with tyrosine.
Molecular consequence: missense variant.
Genome position (GRCh38, 1-based): chr12:49,026,274, G>T on the plus strand (C>A on the coding strand, the complement: KMT2D is on the minus strand). VCF-style: chr12-49026274-G-T. GRCh37 (hg19) VCF-style: chr12-49420057-G-T.
Other names: short protein forms S5231Y.
Identifiers: ClinVar variation 5009881 (VCV005009881.1).
Genomic context (GRCh38, chr12:49,026,274, plus strand): 5'-TCCAGGCCCTGCTCGATGACTTTGATTACAAACTCCGGCCGCCCGTTGTTCTCACCAATA[G>T]AACAGCGATAGCAGCAGCGACGATTGTTGGTGCGGAGGCTCCAATAGATGCGCGTGGCCT-3'
Protein context (NP_003473.3, residues 5221-5241): TNNRRCCYRC[Ser5231Tyr]IGENNGRPEF